The following is an entry in ClinVar:

NM_005472.5(KCNE3):c.205G>A (p.Ala69Thr)

Gene: KCNE3 (potassium voltage-gated channel subfamily E regulatory subunit 3; minus strand). Cytogenetic location: 11q13.4.
Variant type: single nucleotide variant.
Coding change: c.205G>A on transcript NM_005472.5 (MANE Select); coding-DNA position 205, G replaced by A.
Protein change: p.Ala69Thr; replaces alanine 69 with threonine.
Molecular consequence: missense variant.
Genome position (GRCh38, 1-based): chr11:74,457,359, C>T on the plus strand (G>A on the coding strand, the complement: KCNE3 is on the minus strand). VCF-style: chr11-74457359-C-T. GRCh37 (hg19) VCF-style: chr11-74168404-C-T.
Other names: short protein forms A69T.
Identifiers: ClinVar variation 3862716 (VCV003862716.1).

ClinVar aggregate classification (germline): Uncertain significance (1 of 4 stars; one submission).

Conditions:
Cardiovascular phenotype. Identifiers: MedGen CN230736.

Submission:

Ambry Genetics
Classification: Uncertain significance for Cardiovascular phenotype. Last evaluated: 2025-02-12. Review status: criteria provided, single submitter. Criteria: Ambry Variant Classification Scheme 2023. Collection method: clinical testing. Allele origin: germline.
Comment: The p.A69T variant (also known as c.205G>A), located in coding exon 1 of the KCNE3 gene, results from a G to A substitution at nucleotide position 205. The alanine at codon 69 is replaced by threonine, an amino acid with similar properties. This amino acid position is highly conserved in available vertebrate species. In addition, this alteration is predicted to be deleterious by in silico analysis. The evidence for this gene-disease relationship is limited; therefore, the clinical significance of this alteration is unclear.